The following is an entry in ClinVar:

ClinVar aggregate classification (germline): Uncertain significance (1 of 4 stars; one submission).

Conditions:
Atrioventricular septal defect 5 (AVSD5). Identifiers: MedGen C3280939, MONDO:0013769, OMIM 614474.

Submission:

Labcorp Genetics (formerly Invitae), Labcorp
Classification: Uncertain significance for Atrioventricular septal defect 5. Last evaluated: 2023-04-10. Review status: criteria provided, single submitter. Criteria: Invitae Variant Classification Sherloc (09022015). Collection method: clinical testing. Allele origin: germline.
Comment: An algorithm developed to predict the effect of missense changes on protein structure and function (PolyPhen-2) suggests that this variant is likely to be disruptive. This variant has not been reported in the literature in individuals affected with GATA6-related conditions. This variant is not present in population databases (gnomAD no frequency). This sequence change replaces serine, which is neutral and polar, with cysteine, which is neutral and slightly polar, at codon 47 of the GATA6 protein (p.Ser47Cys). In summary, the available evidence is currently insufficient to determine the role of this variant in disease. Therefore, it has been classified as a Variant of Uncertain Significance.

NM_005257.6(GATA6):c.140C>G (p.Ser47Cys)

Gene: GATA6 (GATA binding protein 6; plus strand). Cytogenetic location: 18q11.2.
Variant type: single nucleotide variant.
Coding change: c.140C>G on transcript NM_005257.6 (MANE Select); coding-DNA position 140, C replaced by G.
Protein change: p.Ser47Cys; replaces serine 47 with cysteine.
Molecular consequence: missense variant.
Genome position (GRCh38, 1-based): chr18:22,171,284, C>G. VCF-style: chr18-22171284-C-G. GRCh37 (hg19) VCF-style: chr18-19751245-C-G.
Other names: short protein forms S47C.
Identifiers: ClinVar variation 2854611 (VCV002854611.3), dbSNP rs2510625212, ClinGen allele CA401798805.